The following is an entry in ClinVar:

NM_004770.3(KCNB2):c.1307G>T (p.Arg436Met)

Gene: KCNB2 (potassium voltage-gated channel subfamily B member 2; plus strand). Cytogenetic location: 8q21.11.
Variant type: single nucleotide variant.
Coding change: c.1307G>T on transcript NM_004770.3 (MANE Select); coding-DNA position 1307, G replaced by T.
Protein change: p.Arg436Met; replaces arginine 436 with methionine.
Molecular consequence: missense variant.
Genome position (GRCh38, 1-based): chr8:72,936,662, G>T. VCF-style: chr8-72936662-G-T. GRCh37 (hg19) VCF-style: chr8-73848897-G-T.
Other names: short protein forms R436M.
Identifiers: ClinVar variation 4683103 (VCV004683103.1).

ClinVar aggregate classification (germline): Uncertain significance (1 of 4 stars; one submission).

Conditions:
KCNB2-associated neurodevelopmental disorder.

Submission:

Institute of Human Genetics, University of Leipzig Medical Center
Classification: Uncertain significance for KCNB2-associated neurodevelopmental disorder. Last evaluated: 2025-12-29. Review status: criteria provided, single submitter. Criteria: ACMG Guidelines, 2015. Collection method: clinical testing. Allele origin: unknown. Inheritance: Autosomal dominant inheritance. Affected: yes.
Comment: Criteria applied: PM2,PP2,PP3

Literature cited by the submitters: PubMed 38503299.